The following is an entry in ClinVar:

ClinVar aggregate classification (germline): Uncertain significance (0 of 4 stars; one submission).

Conditions:
QRICH1-related disorder. Also called: QRICH1-related condition.

Submission:

PreventionGenetics, part of Exact Sciences
Classification: Uncertain significance for QRICH1-related condition. Last evaluated: 2024-05-31. Review status: no assertion criteria provided. Collection method: clinical testing. Allele origin: germline.
Comment: The QRICH1 c.656T>G variant is predicted to result in the amino acid substitution p.Leu219Arg. To our knowledge, this variant has not been reported in the literature or in a large population database, indicating this variant is rare. At this time, the clinical significance of this variant is uncertain due to the absence of conclusive functional and genetic evidence.

NM_198880.3(QRICH1):c.656T>G (p.Leu219Arg)

Gene: QRICH1 (glutamine rich 1; minus strand). Cytogenetic location: 3p21.31.
Variant type: single nucleotide variant.
Coding change: c.656T>G on transcript NM_198880.3 (MANE Select); coding-DNA position 656, T replaced by G.
Protein change: p.Leu219Arg; replaces leucine 219 with arginine.
Molecular consequence: missense variant.
Genome position (GRCh38, 1-based): chr3:49,057,544, A>C on the plus strand (T>G on the coding strand, the complement: QRICH1 is on the minus strand). VCF-style: chr3-49057544-A-C. GRCh37 (hg19) VCF-style: chr3-49094977-A-C.
Other names: c.656T>G, p.Leu219Arg (NM_001320580.2, NM_001320581.2, NM_001320582.2 and 4 more transcripts); short protein forms L219R.
Identifiers: ClinVar variation 3354164 (VCV003354164.1).
Genomic context (GRCh38, chr3:49,057,544, plus strand): 5'-GCCGTGCCAACCCGCCGCTCCCCTTCCCGGGGTGAGCCCTGCTGGGATGGTGGTGGGGAA[A>C]GGGCACCCACGGTCTGGATTTGGATCTGCTGACCACCAGCAAGAGACTGGCCAGCCACCA-3'
Protein context (NP_942581.1, residues 209-229): QQIQIQTVGA[Leu219Arg]SPPPSQQGSP